The following is an entry in ClinVar:

NM_001384140.1(PCDH15):c.2868+172G>A

Gene: PCDH15 (protocadherin related 15; minus strand). Cytogenetic location: 10q21.1.
Variant type: single nucleotide variant.
Coding change: c.2868+172G>A on transcript NM_001384140.1 (MANE Select); 172 bases into the intron after coding-DNA position 2868, G replaced by A.
Molecular consequence: intron variant. On other transcripts: 3 prime UTR variant (1).
Genome position (GRCh38, 1-based): chr10:53,995,477, C>T on the plus strand (G>A on the coding strand, the complement: PCDH15 is on the minus strand). VCF-style: chr10-53995477-C-T. GRCh37 (hg19) VCF-style: chr10-55755237-C-T.
Other names: c.*154G>A (NM_001354430.2); c.2868+172G>A (NM_001354420.2, NM_001354429.2, NM_001142772.2 and 4 more transcripts); c.2883+172G>A (NM_001142771.2, NM_001142763.2); c.2889+172G>A (NM_001354411.2); c.2904+172G>A (NM_001142769.3); c.2802+172G>A (NM_001354404.2, NM_001142773.2, NM_001142768.2); c.2757+172G>A (NM_001142767.2); c.2655+172G>A (NM_001142765.2).
Identifiers: ClinVar variation 678856 (VCV000678856.2), dbSNP rs2135721, ClinGen allele CA207173836.
Genomic context (GRCh38, chr10:53,995,477, plus strand): 5'-ACATTGTGCATTCTAGAAAAACAAAAAGCATATTCTTTGTCTAGGTTCAATAATAGTCAT[C>T]TGAAATATGCTCTGTACCTGTGGATGAAATAAGTAAAAGAACATAAAATGTATGAATAAA-3'

ClinVar aggregate classification (germline): Benign. Review status: criteria provided, multiple submitters, no conflicts (2 of 4 stars). 2 submissions from 2 submitters: Benign (2). Last evaluated 2018-06-14.

Allele frequency attached by ClinVar (database versions not stated): gnomAD 0.23391 and 0.22501; 1000 Genomes Project 0.31749; gnomAD exomes 0.22270; 1000 Genomes Project 30x 0.30778; TOPMed 0.22692.
gnomAD v4.1: 269,538 of 1,201,154 alleles (22%); highest among the groups gnomAD compares: East Asian, 51%; 33,896 homozygotes.

Submissions (2):

GeneDx
Classification: Benign. Last evaluated: 2018-06-14. Review status: criteria provided, single submitter. Criteria: GeneDx Variant Classification (06012015). Collection method: clinical testing. Allele origin: germline. Affected: yes.
Comment: This variant is considered likely benign or benign based on one or more of the following criteria: it is a conservative change, it occurs at a poorly conserved position in the protein, it is predicted to be benign by multiple in silico algorithms, and/or has population frequency not consistent with disease.

Breakthrough Genomics
Classification: Benign. Review status: criteria provided, single submitter. Criteria: ACMG Guidelines, 2015. Collection method: not provided. Allele origin: germline. Inheritance: Autosomal recessive inheritance. Affected: yes.